The following is an entry in ClinVar:

ClinVar aggregate classification (germline): Likely benign. Review status: criteria provided, multiple submitters, no conflicts (2 of 4 stars). 2 submissions from 2 submitters: Likely benign (2). Last evaluated 2025-01-01.

Conditions:
Inborn genetic diseases. Identifiers: MedGen C0950123, MeSH D030342.

Allele frequency attached by ClinVar (database versions not stated): TOPMed 0.00001; gnomAD 0.00003; ExAC 0.00004; gnomAD exomes 0.00008.
gnomAD v4.1: 118 of 1,614,080 alleles (0.0073%); highest among the groups gnomAD compares: Non-Finnish European, 0.0097%; no homozygotes.

Submissions (2):

CeGaT Center for Human Genetics Tuebingen
Classification: Likely benign. Last evaluated: 2025-01-01. Review status: criteria provided, single submitter. Criteria: CeGaT Center For Human Genetics Tuebingen Variant Classification Criteria Version 2. Collection method: clinical testing. Allele origin: germline. Affected: yes. Observed: 1 variant allele.
Comment: ASH1L: BP4

Ambry Genetics
Classification: Likely benign for Inborn genetic diseases. Last evaluated: 2022-10-12. Review status: criteria provided, single submitter. Criteria: Ambry Variant Classification Scheme 2023. Collection method: clinical testing. Allele origin: germline.

NM_018489.3(ASH1L):c.5383A>G (p.Ile1795Val)

Gene: ASH1L (ASH1 like histone lysine methyltransferase; minus strand). Cytogenetic location: 1q22.
Variant type: single nucleotide variant.
Coding change: c.5383A>G on transcript NM_018489.3 (MANE Select); coding-DNA position 5383, A replaced by G.
Protein change: p.Ile1795Val; replaces isoleucine 1795 with valine.
Molecular consequence: missense variant.
Genome position (GRCh38, 1-based): chr1:155,438,772, T>C on the plus strand (A>G on the coding strand, the complement: ASH1L is on the minus strand). VCF-style: chr1-155438772-T-C. GRCh37 (hg19) VCF-style: chr1-155408563-T-C.
Other names: c.5383A>G, p.Ile1795Val (NM_001366177.2); short protein forms I1795V.
Identifiers: ClinVar variation 2218301 (VCV002218301.15), dbSNP rs774794397, ClinGen allele CA1146757.